The following is an entry in ClinVar:

NM_005228.5(EGFR):c.3518A>G (p.Gln1173Arg)

Gene: EGFR (epidermal growth factor receptor; plus strand). Cytogenetic location: 7p11.2.
Variant type: single nucleotide variant.
Coding change: c.3518A>G on transcript NM_005228.5 (MANE Select); coding-DNA position 3518, A replaced by G.
Protein change: p.Gln1173Arg; replaces glutamine 1173 with arginine.
Molecular consequence: missense variant.
Genome position (GRCh38, 1-based): chr7:55,205,502, A>G. VCF-style: chr7-55205502-A-G. GRCh37 (hg19) VCF-style: chr7-55273195-A-G.
Other names: c.3383A>G, p.Gln1128Arg (NM_001346899.2); c.3359A>G, p.Gln1120Arg (NM_001346900.2); c.2717A>G, p.Gln906Arg (NM_001346941.2); short protein forms Q1173R, Q906R, Q1120R, Q1128R.
Identifiers: ClinVar variation 945114 (VCV000945114.10), dbSNP rs147896627, ClinGen allele CA367584801.
Genomic context (GRCh38, chr7:55,205,502, plus strand): 5'-GCCCTGCCCACTGGGCCCAGAAAGGCAGCCACCAAATTAGCCTGGACAACCCTGACTACC[A>G]GCAGGACTTCTTTCCCAAGGAAGCCAAGCCAAATGGCATCTTTAAGGGCTCCACAGCTGA-3'
Protein context (NP_005219.2, residues 1163-1183): HQISLDNPDY[Gln1173Arg]QDFFPKEAKP

ClinVar aggregate classification (germline): Uncertain significance. Review status: criteria provided, multiple submitters, no conflicts (2 of 4 stars). 2 submissions from 2 submitters: Uncertain significance (2). Last evaluated 2025-04-18.

Conditions:
Hereditary cancer-predisposing syndrome. Also called: Neoplastic Syndromes, Hereditary; Hereditary Cancer Syndrome; Tumor predisposition; Hereditary neoplastic syndrome. Identifiers: Orphanet 140162, MedGen C0027672, MeSH D009386, MONDO:0015356.
EGFR-related lung cancer (EGFR). Identifiers: MedGen CN130014.

gnomAD v4.1: 4 of 1,614,118 alleles (0.00025%); highest among the groups gnomAD compares: Admixed American, 0.0033%; no homozygotes.

Submissions (2):

Ambry Genetics
Classification: Uncertain significance for Hereditary cancer-predisposing syndrome. Last evaluated: 2025-04-18. Review status: criteria provided, single submitter. Criteria: Ambry Variant Classification Scheme 2023. Collection method: clinical testing. Allele origin: germline.
Comment: The p.Q1173R variant (also known as c.3518A>G), located in coding exon 28 of the EGFR gene, results from an A to G substitution at nucleotide position 3518. The glutamine at codon 1173 is replaced by arginine, an amino acid with highly similar properties. This amino acid position is conserved. In addition, this alteration is predicted to be tolerated by in silico analysis. Based on the available evidence, the clinical significance of this variant remains unclear.

Labcorp Genetics (formerly Invitae), Labcorp
Classification: Uncertain significance for EGFR-related lung cancer. Last evaluated: 2024-09-19. Review status: criteria provided, single submitter. Criteria: Invitae Variant Classification Sherloc (09022015). Collection method: clinical testing. Allele origin: germline.
Comment: This sequence change replaces glutamine, which is neutral and polar, with arginine, which is basic and polar, at codon 1173 of the EGFR protein (p.Gln1173Arg). This variant is present in population databases (no rsID available, gnomAD 0.003%). This variant has not been reported in the literature in individuals affected with EGFR-related conditions. ClinVar contains an entry for this variant (Variation ID: 945114). An algorithm developed to predict the effect of missense changes on protein structure and function (PolyPhen-2) suggests that this variant is likely to be tolerated. In summary, the available evidence is currently insufficient to determine the role of this variant in disease. Therefore, it has been classified as a Variant of Uncertain Significance.